The following is an entry in ClinVar:

NM_022168.4(IFIH1):c.2652G>A (p.Lys884=)

Gene: IFIH1 (interferon induced with helicase C domain 1; minus strand). Cytogenetic location: 2q24.2.
Variant type: single nucleotide variant.
Coding change: c.2652G>A on transcript NM_022168.4 (MANE Select); coding-DNA position 2652, G replaced by A.
Protein change: p.Lys884=; no amino-acid change (lysine 884 retained).
Molecular consequence: synonymous variant.
Genome position (GRCh38, 1-based): chr2:162,268,242, C>T on the plus strand (G>A on the coding strand, the complement: IFIH1 is on the minus strand). VCF-style: chr2-162268242-C-T. GRCh37 (hg19) VCF-style: chr2-163124752-C-T.
Other names: p.Lys884=.
Identifiers: ClinVar variation 1398195 (VCV001398195.9), dbSNP rs907133393, ClinGen allele CA59652972.

ClinVar aggregate classification (germline): Likely benign. Review status: criteria provided, multiple submitters, no conflicts (2 of 4 stars). 2 submissions from 2 submitters: Likely benign (2). Last evaluated 2025-12-15.

Conditions:
Aicardi-Goutieres syndrome 7 (AGS7). Identifiers: Orphanet 51, MedGen C3888244, MONDO:0014367, OMIM 615846.
Singleton-Merten syndrome 1 (SGMRT1). Also called: Widened medullary cavities of bone, aortic calcification, abnormal dentition, and muscular weakness; Syndrome of widened medullary cavities of the metacarpals and phalanges, aortic calcification and abnormal dentition. Identifiers: Orphanet 85191, MedGen C4225427, MONDO:0024535, OMIM 182250.

Allele frequency attached by ClinVar (database versions not stated): gnomAD exomes 0.00001 and 0.00002; TOPMed 0.00003; gnomAD 0.00001.

Submissions (2):

Labcorp Genetics (formerly Invitae), Labcorp
Classification: Likely benign for Aicardi-Goutieres syndrome 7; Singleton-Merten syndrome 1. Last evaluated: 2025-12-15. Review status: criteria provided, single submitter. Criteria: Invitae Variant Classification Sherloc (09022015). Collection method: clinical testing. Allele origin: germline.

Mayo Clinic Laboratories, Mayo Clinic
Classification: Likely benign. Last evaluated: 2025-02-24. Review status: criteria provided, single submitter. Criteria: ACMG Guidelines, 2015. Collection method: clinical testing. Allele origin: germline. Observed: 2 variant alleles.
Comment: BP4, BP7